The following is an entry in ClinVar:

NM_000059.4(BRCA2):c.5324T>C (p.Val1775Ala)

Gene: BRCA2 (BRCA2 DNA repair associated; plus strand). Cytogenetic location: 13q13.1.
Variant type: single nucleotide variant.
Coding change: c.5324T>C on transcript NM_000059.4 (MANE Select); coding-DNA position 5324, T replaced by C.
Protein change: p.Val1775Ala; replaces valine 1775 with alanine.
Molecular consequence: missense variant.
Genome position (GRCh38, 1-based): chr13:32,339,679, T>C. VCF-style: chr13-32339679-T-C. GRCh37 (hg19) VCF-style: chr13-32913816-T-C.
Other names: short protein forms V1775A.
Identifiers: ClinVar variation 495472 (VCV000495472.3), dbSNP rs1555284172, ClinGen allele CA387784908.

ClinVar aggregate classification (germline): Conflicting classifications of pathogenicity. Review status: criteria provided, conflicting classifications (1 of 4 stars). 2 submissions from 2 submitters: Uncertain significance (1); Likely benign (1). Last evaluated 2023-03-23.

Conditions:
Hereditary cancer-predisposing syndrome. Also called: Hereditary neoplastic syndrome; Tumor predisposition; Hereditary Cancer Syndrome; Neoplastic Syndromes, Hereditary. Identifiers: Orphanet 140162, MedGen C0027672, MeSH D009386, MONDO:0015356.

Submissions (2):

University of Washington Department of Laboratory Medicine, University of Washington
Classification: Likely benign for Hereditary cancer-predisposing syndrome. Last evaluated: 2023-03-23. Review status: criteria provided, single submitter. Criteria: Dines et al. (Genet Med. 2020). Collection method: curation. Allele origin: germline.
Comment: Missense variant in a coldspot region where missense variants are very unlikely to be pathogenic (PMID:31911673).

BRCA2 exon 11 coldspot. Reclassification based on statistical prior probability.

Women's Health and Genetics/Laboratory Corporation of America, LabCorp
Classification: Uncertain significance. Last evaluated: 2016-11-14. Review status: criteria provided, single submitter. Criteria: LabCorp Variant Classification Summary - May 2015. Collection method: clinical testing. Allele origin: germline.
Comment: Variant summary: The BRCA2 c.5324T>C (p.Val1775Ala) variant involves the alteration of a non-conserved nucleotide and is located outside of any known functional domain or repeat (via InterPro) with 4/5 in silico tools predicting a benign outcome, although these predictions have yet to be functionally assessed. The variant is absent from controls (ExAC, 1000 Gs, or ESP), nor has it been, to our knowledge, reported in affected individuals via publications and/or reputable database/clinical diagnostic laboratories. Taking together, the variant has been classified as a "Variant of Uncertain Significance (VUS)," until additional information becomes available.